The following is an entry in ClinVar:

ClinVar aggregate classification (germline): Conflicting classifications of pathogenicity. Review status: criteria provided, conflicting classifications (1 of 4 stars). 3 submissions from 3 submitters: Uncertain significance (2); Likely benign (1). Last evaluated 2024-08-28.

Conditions:
Inborn genetic diseases. Identifiers: MedGen C0950123, MeSH D030342.

Allele frequency attached by ClinVar (database versions not stated): gnomAD exomes 0.00003 and 0.00007; ExAC 0.00009; gnomAD 0.00025 and 0.00029; TOPMed 0.00034; ESP Exome Variant Server 0.00058.
gnomAD v4.1: 89 of 1,613,994 alleles (0.0055%); highest among the groups gnomAD compares: African/African-American, 0.093%; no homozygotes.

Submissions (3):

Ambry Genetics
Classification: Uncertain significance for Inborn genetic diseases. Last evaluated: 2024-08-28. Review status: criteria provided, single submitter. Criteria: Ambry Variant Classification Scheme 2023. Collection method: clinical testing. Allele origin: germline.

Labcorp Genetics (formerly Invitae), Labcorp
Classification: Uncertain significance. Last evaluated: 2022-09-27. Review status: criteria provided, single submitter. Criteria: Invitae Variant Classification Sherloc (09022015). Collection method: clinical testing. Allele origin: germline.
Comment: This sequence change replaces glutamine, which is neutral and polar, with leucine, which is neutral and non-polar, at codon 1092 of the KIAA1549 protein (p.Gln1092Leu). This variant is present in population databases (rs201583319, gnomAD 0.1%). This variant has not been reported in the literature in individuals affected with KIAA1549-related conditions. ClinVar contains an entry for this variant (Variation ID: 847686). Algorithms developed to predict the effect of missense changes on protein structure and function are either unavailable or do not agree on the potential impact of this missense change (SIFT: "Deleterious"; PolyPhen-2: "Probably Damaging"; Align-GVGD: "Class C0"). Algorithms developed to predict the effect of sequence changes on RNA splicing suggest that this variant may create or strengthen a splice site. In summary, the available evidence is currently insufficient to determine the role of this variant in disease. Therefore, it has been classified as a Variant of Uncertain Significance.

Blueprint Genetics
Classification: Likely benign. Last evaluated: 2022-08-21. Review status: criteria provided, single submitter. Criteria: ACMG Guidelines, 2015. Collection method: clinical testing. Allele origin: germline.

NM_001164665.2(KIAA1549):c.3275A>T (p.Gln1092Leu)

Gene: KIAA1549 (KIAA1549; minus strand). Cytogenetic location: 7q34.
Variant type: single nucleotide variant.
Coding change: c.3275A>T on transcript NM_001164665.2 (MANE Select); coding-DNA position 3275, A replaced by T.
Protein change: p.Gln1092Leu; replaces glutamine 1092 with leucine.
Molecular consequence: missense variant.
Genome position (GRCh38, 1-based): chr7:138,908,992, T>A on the plus strand (A>T on the coding strand, the complement: KIAA1549 is on the minus strand). VCF-style: chr7-138908992-T-A. GRCh37 (hg19) VCF-style: chr7-138593738-T-A.
Other names: c.3275A>T, p.Gln1092Leu (NM_020910.3); short protein forms Q1092L.
Identifiers: ClinVar variation 847686 (VCV000847686.7), dbSNP rs201583319, ClinGen allele CA4506273.